The following is an entry in ClinVar:

ClinVar aggregate classification (germline): Uncertain significance (1 of 4 stars; one submission).

Allele frequency attached by ClinVar (database versions not stated): gnomAD exomes below 0.00001; ExAC 0.00001.
gnomAD v4.1: 2 of 1,605,442 alleles (0.00012%); highest among the groups gnomAD compares: Non-Finnish European, 0.00017%; no homozygotes.

Submission:

Labcorp Genetics (formerly Invitae), Labcorp
Classification: Uncertain significance. Last evaluated: 2024-12-30. Review status: criteria provided, single submitter. Criteria: Invitae Variant Classification Sherloc (09022015). Collection method: clinical testing. Allele origin: germline.
Comment: This sequence change replaces isoleucine, which is neutral and non-polar, with valine, which is neutral and non-polar, at codon 783 of the ATR protein (p.Ile783Val). This variant is present in population databases (rs746485010, gnomAD 0.003%). This variant has not been reported in the literature in individuals affected with ATR-related conditions. ClinVar contains an entry for this variant (Variation ID: 1384600). An algorithm developed to predict the effect of missense changes on protein structure and function (PolyPhen-2) suggests that this variant is likely to be tolerated. In summary, the available evidence is currently insufficient to determine the role of this variant in disease. Therefore, it has been classified as a Variant of Uncertain Significance.

NM_001184.4(ATR):c.2347A>G (p.Ile783Val)

Gene: ATR (ATR checkpoint kinase; minus strand). Cytogenetic location: 3q23.
Variant type: single nucleotide variant.
Coding change: c.2347A>G on transcript NM_001184.4 (MANE Select); coding-DNA position 2347, A replaced by G.
Protein change: p.Ile783Val; replaces isoleucine 783 with valine.
Molecular consequence: missense variant.
Genome position (GRCh38, 1-based): chr3:142,554,010, T>C on the plus strand (A>G on the coding strand, the complement: ATR is on the minus strand). VCF-style: chr3-142554010-T-C. GRCh37 (hg19) VCF-style: chr3-142272852-T-C.
Other names: c.2155A>G, p.Ile719Val (NM_001354579.2); short protein forms I719V, I783V.
Identifiers: ClinVar variation 1384600 (VCV001384600.6), dbSNP rs746485010, ClinGen allele CA2650374.